The following is an entry in ClinVar:

NM_032237.5(POMK):c.979G>C (p.Val327Leu)

Gene: POMK (protein O-mannose kinase; plus strand). Cytogenetic location: 8p11.21.
Variant type: single nucleotide variant.
Coding change: c.979G>C on transcript NM_032237.5 (MANE Select); coding-DNA position 979, G replaced by C.
Protein change: p.Val327Leu; replaces valine 327 with leucine.
Molecular consequence: missense variant.
Genome position (GRCh38, 1-based): chr8:43,122,803, G>C. VCF-style: chr8-43122803-G-C. GRCh37 (hg19) VCF-style: chr8-42977946-G-C.
Other names: c.979G>C, p.Val327Leu (NM_001277971.2); short protein forms V327L.
Identifiers: ClinVar variation 940329 (VCV000940329.8), dbSNP rs546931054, ClinGen allele CA371123100.

ClinVar aggregate classification (germline): Uncertain significance (1 of 4 stars; one submission).

Conditions:
Limb-girdle muscular dystrophy due to POMK deficiency. Also called: MUSCULAR DYSTROPHY-DYSTROGLYCANOPATHY, LIMB-GIRDLE, POMK-RELATED; Muscular dystrophy-dystroglycanopathy (limb-girdle), type c, 12. Identifiers: Orphanet 445110, MedGen C4015184, MONDO:0014489, OMIM 616094.
Muscular dystrophy-dystroglycanopathy (congenital with brain and eye anomalies), type a, 12 (MDDGA12). Also called: WALKER-WARBURG SYNDROME OR MUSCLE-EYE-BRAIN DISEASE, POMK-RELATED. Identifiers: Orphanet 899, MedGen C3808964, MONDO:0014101, OMIM 615249.

Allele frequency attached by ClinVar (database versions not stated): TOPMed 0.00001.
gnomAD v4.1: 1 of 1,614,000 alleles (0.000062%); highest among the groups gnomAD compares: Non-Finnish European, 0.000085%; no homozygotes.

Submission:

Labcorp Genetics (formerly Invitae), Labcorp
Classification: Uncertain significance for Muscular dystrophy-dystroglycanopathy (congenital with brain and eye anomalies), type a, 12; Limb-girdle muscular dystrophy due to POMK deficiency. Last evaluated: 2022-08-09. Review status: criteria provided, single submitter. Criteria: Invitae Variant Classification Sherloc (09022015). Collection method: clinical testing. Allele origin: germline.
Comment: This sequence change replaces valine, which is neutral and non-polar, with leucine, which is neutral and non-polar, at codon 327 of the POMK protein (p.Val327Leu). In summary, the available evidence is currently insufficient to determine the role of this variant in disease. Therefore, it has been classified as a Variant of Uncertain Significance. Algorithms developed to predict the effect of missense changes on protein structure and function are either unavailable or do not agree on the potential impact of this missense change (SIFT: "Deleterious"; PolyPhen-2: "Benign"; Align-GVGD: "Class C0"). ClinVar contains an entry for this variant (Variation ID: 940329). This variant has not been reported in the literature in individuals affected with POMK-related conditions. This variant is not present in population databases (gnomAD no frequency).